The following is an entry in ClinVar:

ClinVar aggregate classification (germline): Uncertain significance. Review status: criteria provided, multiple submitters, no conflicts (2 of 4 stars). 3 submissions from 3 submitters: Uncertain significance (3). Last evaluated 2024-12-19.

Conditions:
RYR1-related disorder. Also called: RYR1-related disorders; RYR1-related condition. Identifiers: MedGen CN239331.
Malignant hyperthermia, susceptibility to, 1 (MHS1). Also called: RYR1-Related Malignant Hyperthermia Susceptibility; Malignant hyperthermia suceptibility 1; Anesthesia related hyperthermia; Malignant hyperpyrexia; Fulminating hyperpyrexia; Pharmacogenic myopathy. Identifiers: Orphanet 423, MedGen C2930980, MONDO:0007783, OMIM 145600.

Allele frequency attached by ClinVar (database versions not stated): gnomAD exomes below 0.00001; gnomAD 0.00001.
gnomAD v4.1: 2 of 1,613,618 alleles (0.00012%); highest among the groups gnomAD compares: Non-Finnish European, 0.00017%; no homozygotes.

Submissions (3):

GeneDx
Classification: Uncertain significance. Last evaluated: 2024-12-19. Review status: criteria provided, single submitter. Criteria: GeneDx Variant Classification Process June 2021. Collection method: clinical testing. Allele origin: germline. Affected: yes.
Comment: Not observed at significant frequency in large population cohorts (gnomAD); In silico analysis supports that this missense variant has a deleterious effect on protein structure/function; Has not been previously published as pathogenic or benign to our knowledge

All of Us Research Program, National Institutes of Health
Classification: Uncertain significance for Malignant hyperthermia, susceptibility to, 1. Last evaluated: 2023-12-18. Review status: criteria provided, single submitter. Criteria: ACMG Guidelines, 2015. Collection method: clinical testing. Allele origin: germline. Inheritance: Autosomal dominant inheritance. Observed: 1 variant allele, 1 heterozygote.
Comment: This missense variant replaces isoleucine with threonine at codon 2512 of the RYR1 protein. Computational prediction suggests that this variant may have deleterious impact on protein structure and function (internally defined REVEL score threshold >= 0.7, PMID: 27666373). To our knowledge, functional studies have not been reported for this variant. This variant has not been reported in individuals affected with RYR1-related disorders in the literature. This variant has not been identified in the general population by the Genome Aggregation Database (gnomAD). The available evidence is insufficient to determine the role of this variant in disease conclusively. Therefore, this variant is classified as a Variant of Uncertain Significance.

This study involves interpretation of variants in research participants for the purpose of population health screening. Participant phenotype was not available at the time of variant classification. Additional details can be found in publication PMID: 35346344, PMCID: PMC8962531

Labcorp Genetics (formerly Invitae), Labcorp
Classification: Uncertain significance for RYR1-related disorder. Last evaluated: 2022-05-16. Review status: criteria provided, single submitter. Criteria: Invitae Variant Classification Sherloc (09022015). Collection method: clinical testing. Allele origin: germline.
Comment: This sequence change replaces isoleucine, which is neutral and non-polar, with threonine, which is neutral and polar, at codon 2512 of the RYR1 protein (p.Ile2512Thr). This variant is not present in population databases (gnomAD no frequency). This variant has not been reported in the literature in individuals affected with RYR1-related conditions. Advanced modeling of protein sequence and biophysical properties (such as structural, functional, and spatial information, amino acid conservation, physicochemical variation, residue mobility, and thermodynamic stability) performed at Invitae indicates that this missense variant is expected to disrupt RYR1 protein function. In summary, the available evidence is currently insufficient to determine the role of this variant in disease. Therefore, it has been classified as a Variant of Uncertain Significance.

NM_000540.3(RYR1):c.7535T>C (p.Ile2512Thr)

Gene: RYR1 (ryanodine receptor 1; plus strand). Cytogenetic location: 19q13.2.
Variant type: single nucleotide variant.
Coding change: c.7535T>C on transcript NM_000540.3 (MANE Select); coding-DNA position 7535, T replaced by C.
Protein change: p.Ile2512Thr; replaces isoleucine 2512 with threonine.
Molecular consequence: missense variant.
Genome position (GRCh38, 1-based): chr19:38,500,911, T>C. VCF-style: chr19-38500911-T-C. GRCh37 (hg19) VCF-style: chr19-38991551-T-C.
Other names: c.7535T>C, p.Ile2512Thr (NM_001042723.2); c.7535T>C (NM_000540.2); short protein forms I2512T.
Identifiers: ClinVar variation 1394314 (VCV001394314.7), dbSNP rs1970086291, ClinGen allele CA405670407.